The following is an entry in ClinVar:

NM_000091.5(COL4A3):c.949_950del (p.Arg317fs)

Genes: COL4A3 (collagen type IV alpha 3 chain; plus strand), MFF-DT (MFF divergent transcript; minus strand). Cytogenetic location: 2q36.3.
Variant type: Deletion.
Coding change: c.949_950del on transcript NM_000091.5 (MANE Select); coding-DNA positions 949 to 950, 2 bases deleted (AG; older notation c.949_950delAG).
Protein change: p.Arg317fs; shifts the reading frame from arginine 317.
Molecular consequence: frameshift variant.
Genome position (GRCh38, 1-based): chr2:227,256,358-227,256,359, AG deleted. VCF-style (leftmost placement, unchanged base first): chr2-227256357-CAG-C. GRCh37 (hg19) VCF-style: chr2-228121073-CAG-C.
Other names: c.949_950delAG (NM_000091.4); short protein forms R317fs.
Identifiers: ClinVar variation 553304 (VCV000553304.19), dbSNP rs756133651, ClinGen allele CA2146449.

ClinVar aggregate classification (germline): Pathogenic/Likely pathogenic. Review status: criteria provided, multiple submitters, no conflicts (2 of 4 stars). 5 submissions from 5 submitters: Pathogenic (1); Likely pathogenic (3). 1 of the submissions does not count toward it. Last evaluated 2025-09-11.

Conditions:
Autosomal recessive Alport syndrome (ATS2). Also called: COL4A3-Related Nephropathy; Alport syndrome type 2; ALPORT SYNDROME 2, AUTOSOMAL RECESSIVE; COL4A4 Alport Syndrome and Thin Basement Membrane Nephropathy. Identifiers: Orphanet 63, Orphanet 88919, MedGen C4746745, MONDO:0008762, OMIM 203780.
Autosomal dominant Alport syndrome (ATS3A). Also called: ALPORT SYNDROME 3A, AUTOSOMAL DOMINANT; Alport syndrome dominant type; Renal failure and sensorineural hearing loss. Identifiers: Orphanet 63, Orphanet 88918, MedGen C5882663, MONDO:0007086, OMIM 104200.
Benign familial hematuria. Also called: thin basement membrane disease. Identifiers: MedGen C0241908, MONDO:0957317.
Alport syndrome. Also called: Hemorrhagic familial nephritis; Hemorrhagic hereditary nephritis; Congenital hereditary hematuria. Identifiers: Orphanet 63, MedGen C1567741, MONDO:0018965.

Allele frequency attached by ClinVar (database versions not stated): gnomAD exomes below 0.00001 and 0.00001; ExAC 0.00001; gnomAD 0.00001; TOPMed 0.00002; ESP Exome Variant Server 0.00009.

Submissions (5):

Natera, Inc.
Classification: Likely pathogenic for Alport syndrome. Last evaluated: 2025-09-11. Review status: criteria provided, single submitter. Criteria: Natera Variant Classification Schema (03/2026). Collection method: clinical testing. Allele origin: germline.
Comment: The c.949_950delAG variant in COL4A3 is a frameshift variant predicted to shift the reading frame beginning at codon 317 and leads to a stop codon 8 codons downstream. This variant is expected to result in nonsense mediated decay, truncation, or a dysfunctional protein product. This variant is rare in the general population with a frequency below the threshold expected for the associated phenotype(s). Given the available evidence, this variant is classified as Likely Pathogenic.

Labcorp Genetics (formerly Invitae), Labcorp
Classification: Pathogenic. Last evaluated: 2024-02-08. Review status: criteria provided, single submitter. Criteria: Invitae Variant Classification Sherloc (09022015). Collection method: clinical testing. Allele origin: germline.
Comment: This sequence change creates a premature translational stop signal (p.Arg317Glyfs*8) in the COL4A3 gene. It is expected to result in an absent or disrupted protein product. Loss-of-function variants in COL4A3 are known to be pathogenic (PMID: 8956999, 24854265, 26809805, 27281700). This variant is present in population databases (rs756133651, gnomAD 0.007%). This variant has not been reported in the literature in individuals affected with COL4A3-related conditions. ClinVar contains an entry for this variant (Variation ID: 553304). For these reasons, this variant has been classified as Pathogenic.

GeneDx
Classification: Likely pathogenic. Last evaluated: 2021-11-01. Review status: criteria provided, single submitter. Criteria: GeneDx Variant Classification Process June 2021. Collection method: clinical testing. Allele origin: germline. Affected: yes.
Comment: Frameshift variant predicted to result in protein truncation or nonsense mediated decay in a gene for which loss-of-function is a known mechanism of disease; Not observed at significant frequency in large population cohorts (Lek et al., 2016); Has not been previously published as pathogenic or benign to our knowledge

Fulgent Genetics
Classification: Likely pathogenic for Autosomal dominant Alport syndrome; Hematuria, benign familial, 1; Autosomal recessive Alport syndrome. Last evaluated: 2021-07-14. Review status: criteria provided, single submitter. Criteria: ACMG Guidelines, 2015. Collection method: clinical testing. Allele origin: unknown.

Counsyl
Classification: Likely pathogenic for Autosomal recessive Alport syndrome. Last evaluated: 2017-08-15. Review status: no assertion criteria provided. Collection method: clinical testing. Allele origin: unknown. Not counted in ClinVar's aggregate classification.

Literature cited by the submitters: PubMed 8956999 (cited by Labcorp Genetics (formerly Invitae), Labcorp); PubMed 24854265 (cited by Labcorp Genetics (formerly Invitae), Labcorp); PubMed 26809805 (cited by Labcorp Genetics (formerly Invitae), Labcorp); PubMed 27281700 (cited by Labcorp Genetics (formerly Invitae), Labcorp).